The following is an entry in ClinVar:

NM_006509.4(RELB):c.1708G>T (p.Gly570Cys)

Gene: RELB (RELB proto-oncogene, NF-kB subunit; plus strand). Cytogenetic location: 19q13.32.
Variant type: single nucleotide variant.
Coding change: c.1708G>T on transcript NM_006509.4 (MANE Select); coding-DNA position 1708, G replaced by T.
Protein change: p.Gly570Cys; replaces glycine 570 with cysteine.
Molecular consequence: missense variant.
Genome position (GRCh38, 1-based): chr19:45,037,758, G>T. VCF-style: chr19-45037758-G-T. GRCh37 (hg19) VCF-style: chr19-45541016-G-T.
Other names: c.1699G>T, p.Gly567Cys (NM_001411087.1); short protein forms G567C, G570C.
Identifiers: ClinVar variation 2715922 (VCV002715922.3), dbSNP rs373450774, ClinGen allele CA406310438.

ClinVar aggregate classification (germline): Uncertain significance (1 of 4 stars; one submission).

Submission:

Labcorp Genetics (formerly Invitae), Labcorp
Classification: Uncertain significance. Last evaluated: 2023-12-06. Review status: criteria provided, single submitter. Criteria: Invitae Variant Classification Sherloc (09022015). Collection method: clinical testing. Allele origin: germline.
Comment: This sequence change replaces glycine, which is neutral and non-polar, with cysteine, which is neutral and slightly polar, at codon 570 of the RELB protein (p.Gly570Cys). This variant is not present in population databases (gnomAD no frequency). This variant has not been reported in the literature in individuals affected with RELB-related conditions. An algorithm developed to predict the effect of missense changes on protein structure and function (PolyPhen-2) suggests that this variant is likely to be disruptive. In summary, the available evidence is currently insufficient to determine the role of this variant in disease. Therefore, it has been classified as a Variant of Uncertain Significance.